The following is an entry in ClinVar:

ClinVar aggregate classification (germline): Uncertain significance (1 of 4 stars; one submission).

Submission:

Ambry Genetics
Classification: Uncertain significance. Last evaluated: 2021-06-20. Review status: criteria provided, single submitter. Criteria: Ambry Variant Classification Scheme 2023. Collection method: clinical testing. Allele origin: germline.
Comment: The p.T308N variant (also known as c.923C>A), located in coding exon 9 of the RAD54L gene, results from a C to A substitution at nucleotide position 923. The threonine at codon 308 is replaced by asparagine, an amino acid with similar properties. This amino acid position is conserved. In addition, the in silico prediction for this alteration is inconclusive. Since supporting evidence is limited at this time, the clinical significance of this alteration remains unclear.

NM_003579.4(RAD54L):c.923C>A (p.Thr308Asn)

Gene: RAD54L (RAD54 like; plus strand). Cytogenetic location: 1p34.1.
Variant type: single nucleotide variant.
Coding change: c.923C>A on transcript NM_003579.4 (MANE Select); coding-DNA position 923, C replaced by A.
Protein change: p.Thr308Asn; replaces threonine 308 with asparagine.
Molecular consequence: missense variant.
Genome position (GRCh38, 1-based): chr1:46,267,490, C>A. VCF-style: chr1-46267490-C-A. GRCh37 (hg19) VCF-style: chr1-46733162-C-A.
Other names: c.923C>A, p.Thr308Asn (NM_001142548.2); c.383C>A, p.Thr128Asn (NM_001370766.1); short protein forms T128N, T308N.
Identifiers: ClinVar variation 1766286 (VCV001766286.2), dbSNP rs1660299032, ClinGen allele CA340192122.